The following is an entry in ClinVar:

NM_001903.5(CTNNA1):c.1606G>C (p.Asp536His)

Gene: CTNNA1 (catenin alpha 1; plus strand). Cytogenetic location: 5q31.2.
Variant type: single nucleotide variant.
Coding change: c.1606G>C on transcript NM_001903.5 (MANE Select); coding-DNA position 1606, G replaced by C.
Protein change: p.Asp536His; replaces aspartic acid 536 with histidine.
Molecular consequence: missense variant.
Genome position (GRCh38, 1-based): chr5:138,924,569, G>C. VCF-style: chr5-138924569-G-C. GRCh37 (hg19) VCF-style: chr5-138260258-G-C.
Other names: c.1606G>C, p.Asp536His (NM_001290307.3, NM_001323982.2, NM_001323983.1 and 2 more transcripts); c.1297G>C, p.Asp433His (NM_001290309.3); c.1237G>C, p.Asp413His (NM_001290310.3); c.496G>C, p.Asp166His (NM_001290312.1, NM_001323987.1, NM_001323988.1 and 17 more transcripts); c.1513G>C, p.Asp505His (NM_001323986.2); c.157G>C, p.Asp53His (NM_001324006.1, NM_001324007.1, NM_001324008.1 and 2 more transcripts); c.403G>C, p.Asp135His (NM_001324011.1); c.253G>C, p.Asp85His (NM_001324012.1, NM_001324013.1); short protein forms D413H, D433H, D85H, D536H, D135H, D505H, D166H, D53H.
Identifiers: ClinVar variation 4635481 (VCV004635481.1).
Genomic context (GRCh38, chr5:138,924,569, plus strand): 5'-GAGAATCACATTTTGGAAGATGTGAACAAATGTGTCATTGCTCTCCAAGAGAAGGATGTG[G>C]ATGGCCTGGACCGCACAGCTGGTGCAATTCGAGGCCGGGCAGCCCGGGTCATTCACGTAG-3'
Protein context (NP_001894.2, residues 526-546): CVIALQEKDV[Asp536His]GLDRTAGAIR

ClinVar aggregate classification (germline): Uncertain significance (1 of 4 stars; one submission).

Conditions:
Hereditary cancer-predisposing syndrome. Also called: Neoplastic Syndromes, Hereditary; Tumor predisposition; Hereditary Cancer Syndrome; Hereditary neoplastic syndrome. Identifiers: Orphanet 140162, MedGen C0027672, MeSH D009386, MONDO:0015356.

Submission:

Ambry Genetics
Classification: Uncertain significance for Hereditary cancer-predisposing syndrome. Last evaluated: 2025-10-29. Review status: criteria provided, single submitter. Criteria: Ambry Variant Classification Scheme 2023. Collection method: clinical testing. Allele origin: germline.
Comment: The p.D536H variant (also known as c.1606G>C), located in coding exon 11 of the CTNNA1 gene, results from a G to C substitution at nucleotide position 1606. The aspartic acid at codon 536 is replaced by histidine, an amino acid with similar properties. This amino acid position is conserved. In addition, this alteration is predicted to be deleterious by in silico analysis. Based on the available evidence, the clinical significance of this variant remains unclear.